The following is an entry in ClinVar:

ClinVar aggregate classification (germline): Uncertain significance (1 of 4 stars; one submission).

Submission:

GeneDx
Classification: Uncertain significance. Last evaluated: 2026-03-19. Review status: criteria provided, single submitter. Criteria: GeneDx Variant Classification Process June 2021. Collection method: clinical testing. Allele origin: germline.
Comment: Not observed at significant frequency in large population cohorts (gnomAD); In silico analysis supports that this missense variant has a deleterious effect on protein structure/function; Has not been previously published as pathogenic or benign to our knowledge

NM_004463.3(FGD1):c.469C>G (p.Pro157Ala)

Gene: FGD1 (FYVE, RhoGEF and PH domain containing 1; minus strand). Cytogenetic location: Xp11.22.
Variant type: single nucleotide variant.
Coding change: c.469C>G on transcript NM_004463.3 (MANE Select); coding-DNA position 469, C replaced by G.
Protein change: p.Pro157Ala; replaces proline 157 with alanine.
Molecular consequence: missense variant.
Genome position (GRCh38, 1-based): chrX:54,471,326, G>C on the plus strand (C>G on the coding strand, the complement: FGD1 is on the minus strand). VCF-style: chrX-54471326-G-C. GRCh37 (hg19) VCF-style: chrX-54497759-G-C.
Other names: short protein forms P157A.
Identifiers: ClinVar variation 5009459 (VCV005009459.1).